The following is an entry in ClinVar:

NM_003072.5(SMARCA4):c.3927C>T (p.His1309=)

Gene: SMARCA4 (SWI/SNF related BAF chromatin remodeling complex subunit ATPase 4; plus strand). Cytogenetic location: 19p13.2.
Variant type: single nucleotide variant.
Coding change: c.3927C>T on transcript NM_003072.5 (MANE Select); coding-DNA position 3927, C replaced by T.
Protein change: p.His1309=; no amino-acid change (histidine 1309 retained).
Molecular consequence: synonymous variant. On other transcripts: non-coding transcript variant (1).
Genome position (GRCh38, 1-based): chr19:11,034,176, C>T. VCF-style: chr19-11034176-C-T. GRCh37 (hg19) VCF-style: chr19-11144852-C-T.
Other names: c.3927C>T, p.His1309= (NM_001128849.3, NM_001387283.1, NM_001128844.3); c.3828C>T, p.His1276= (NM_001374457.1, NM_001128845.2, NM_001128846.2 and 2 more transcripts).
Identifiers: ClinVar variation 238441 (VCV000238441.40), dbSNP rs148495641, ClinGen allele CA9204565.
Genomic context (GRCh38, chr19:11,034,176, plus strand): 5'-CTTATAGGAGGAAGACGAGGTGCCCGACGACGAGACCGTCAACCAGATGATCGCCCGGCA[C>T]GAGGAGGAGTTTGATCTGTTCATGGTAAGCGCTGCAGGCTGGATGGGGCAGTTCAGGCAT-3'
Protein context (NP_003063.2, residues 1299-1319): DETVNQMIAR[His1309=]EEEFDLFMRM

ClinVar aggregate classification (germline): Benign/Likely benign. Review status: criteria provided, multiple submitters, no conflicts (2 of 4 stars). 10 submissions from 10 submitters: Benign (5); Likely benign (4). 1 of the submissions does not count toward it. Last evaluated 2026-07-15.

Conditions:
SMARCA4-related disorder. Also called: SMARCA4-related condition.
Coffin-Siris syndrome. Identifiers: Orphanet 1465, MedGen C0265338, MONDO:0015452.
Hereditary cancer-predisposing syndrome. Also called: Hereditary Cancer Syndrome; Tumor predisposition; Hereditary neoplastic syndrome; Neoplastic Syndromes, Hereditary. Identifiers: Orphanet 140162, MedGen C0027672, MeSH D009386, MONDO:0015356.
Intellectual disability, autosomal dominant 16 (CSS4). Also called: COFFIN-SIRIS SYNDROME 4. Identifiers: Orphanet 1465, MedGen C3553249, MONDO:0013821, OMIM 614609.
Rhabdoid tumor predisposition syndrome 2 (RTPS2). Identifiers: Orphanet 231108, Orphanet 69077, MedGen C2750074, MONDO:0013224, OMIM 613325.

Allele frequency attached by ClinVar (database versions not stated): ExAC 0.00037; gnomAD 0.00076 and 0.00079; TOPMed 0.00099; ESP Exome Variant Server 0.00062; 1000 Genomes Project 0.00120; 1000 Genomes Project 30x 0.00125; gnomAD exomes 0.00030.
gnomAD v4.1: 297 of 1,613,728 alleles (0.018%); highest among the groups gnomAD compares: African/African-American, 0.26%; no homozygotes.

Submissions (10):

Myriad Genetics, Inc.
Classification: Benign for Rhabdoid tumor predisposition syndrome 2. Last evaluated: 2026-07-15. Review status: criteria provided, single submitter. Criteria: Myriad Autosomal Dominant, Autosomal Recessive and X-Linked Classification Criteria (2023). Collection method: clinical testing. Allele origin: unknown.
Comment: This variant is considered benign. This variant is a silent/synonymous amino acid change and it is not expected to impact splicing.

CeGaT Center for Human Genetics Tuebingen
Classification: Likely benign. Last evaluated: 2026-04-01. Review status: criteria provided, single submitter. Criteria: CeGaT Center For Human Genetics Tuebingen Variant Classification Criteria Version 2. Collection method: clinical testing. Allele origin: germline. Affected: yes. Observed: 3 variant alleles.
Comment: SMARCA4: BP4, BP7, BS1

Labcorp Genetics (formerly Invitae), Labcorp
Classification: Benign for Rhabdoid tumor predisposition syndrome 2. Last evaluated: 2026-02-03. Review status: criteria provided, single submitter. Criteria: Invitae Variant Classification Sherloc (09022015). Collection method: clinical testing. Allele origin: germline.

Blueprint Genetics
Classification: Likely benign. Last evaluated: 2023-09-27. Review status: criteria provided, single submitter. Criteria: ACMG Guidelines, 2015. Collection method: clinical testing. Allele origin: germline.

Sema4
Classification: Benign for Hereditary cancer-predisposing syndrome. Last evaluated: 2021-09-10. Review status: criteria provided, single submitter. Criteria: Sema4 Curation Guidelines. Collection method: curation. Allele origin: germline.

Genome-Nilou Lab
Classification: Benign for Intellectual disability, autosomal dominant 16. Last evaluated: 2021-07-15. Review status: criteria provided, single submitter. Criteria: ACMG Guidelines, 2015. Collection method: clinical testing. Allele origin: germline. Affected: no.

GeneDx
Classification: Likely benign. Last evaluated: 2020-10-30. Review status: criteria provided, single submitter. Criteria: GeneDx Variant Classification Process June 2021. Collection method: clinical testing. Allele origin: germline. Affected: yes.

Illumina Laboratory Services, Illumina
Classification: Benign for Coffin-Siris syndrome. Last evaluated: 2018-01-13. Review status: criteria provided, single submitter. Criteria: ICSL Variant Classification Criteria 13 December 2019. Collection method: clinical testing. Allele origin: germline.
Comment: This variant was observed in the ICSL laboratory as part of a predisposition screen in an ostensibly healthy population. It had not been previously curated by ICSL or reported in the Human Gene Mutation Database (HGMD: prior to June 1st, 2018), and was therefore a candidate for classification through an automated scoring system. Utilizing variant allele frequency, disease prevalence and penetrance estimates, and inheritance mode, an automated score was calculated to assess if this variant is too frequent to cause the disease. Based on the score and internal cut-off values, a variant classified as benign is not then subjected to further curation. The score for this variant resulted in a classification of benign for this disease.

Ambry Genetics
Classification: Likely benign for Hereditary cancer-predisposing syndrome. Last evaluated: 2015-07-10. Review status: criteria provided, single submitter. Criteria: Ambry Variant Classification Scheme 2023. Collection method: clinical testing. Allele origin: germline.

PreventionGenetics, part of Exact Sciences
Classification: Likely benign for SMARCA4-related condition. Last evaluated: 2024-06-04. Review status: no assertion criteria provided. Collection method: clinical testing. Allele origin: germline. Not counted in ClinVar's aggregate classification.
Comment: This variant is classified as likely benign based on ACMG/AMP sequence variant interpretation guidelines (Richards et al. 2015 PMID: 25741868, with internal and published modifications).